The following is an entry in ClinVar:

NM_001079802.2(FKTN):c.1255A>G (p.Ile419Val)

Gene: FKTN (fukutin; plus strand). Cytogenetic location: 9q31.2.
Variant type: single nucleotide variant.
Coding change: c.1255A>G on transcript NM_001079802.2 (MANE Select); coding-DNA position 1255, A replaced by G.
Protein change: p.Ile419Val; replaces isoleucine 419 with valine.
Molecular consequence: missense variant. On other transcripts: 3 prime UTR variant (1), non-coding transcript variant (2).
Genome position (GRCh38, 1-based): chr9:105,635,133, A>G. VCF-style: chr9-105635133-A-G. GRCh37 (hg19) VCF-style: chr9-108397414-A-G.
Other names: c.1255A>G, p.Ile419Val (NM_001198963.2, NM_001351496.2, NM_006731.2); c.1186A>G, p.Ile396Val (NM_001351497.2); c.*47A>G (NM_001351498.2); c.859A>G, p.Ile287Val (NM_001351499.2, NM_001351500.2, NM_001351501.2 and 1 more transcripts); short protein forms I419V, I287V, I396V.
Identifiers: ClinVar variation 1493480 (VCV001493480.7), dbSNP rs2133451721, ClinGen allele CA374378184.

ClinVar aggregate classification (germline): Uncertain significance. Review status: criteria provided, multiple submitters, no conflicts (2 of 4 stars). 2 submissions from 2 submitters: Uncertain significance (2). Last evaluated 2021-09-23.

Conditions:
Walker-Warburg congenital muscular dystrophy. Also called: Muscular dystrophy-dystroglycanopathy, type A; Walker-Warburg syndrome. Identifiers: Orphanet 899, MedGen C0265221, MONDO:0000171.
Cardiovascular phenotype. Identifiers: MedGen CN230736.

Allele frequency attached by ClinVar (database versions not stated): gnomAD exomes below 0.00001.
gnomAD v4.1: 1 of 1,614,188 alleles (0.000062%); highest among the groups gnomAD compares: East Asian, 0.0022%; no homozygotes.

Submissions (2):

Ambry Genetics
Classification: Uncertain significance for Cardiovascular phenotype. Last evaluated: 2021-09-23. Review status: criteria provided, single submitter. Criteria: Ambry Variant Classification Scheme 2023. Collection method: clinical testing. Allele origin: germline.
Comment: The p.I419V variant (also known as c.1255A>G), located in coding exon 9 of the FKTN gene, results from an A to G substitution at nucleotide position 1255. The isoleucine at codon 419 is replaced by valine, an amino acid with highly similar properties. This amino acid position is conserved. In addition, this alteration is predicted to be tolerated by in silico analysis. Since supporting evidence is limited at this time, the clinical significance of this alteration remains unclear.

Labcorp Genetics (formerly Invitae), Labcorp
Classification: Uncertain significance for Walker-Warburg congenital muscular dystrophy. Last evaluated: 2021-09-17. Review status: criteria provided, single submitter. Criteria: Invitae Variant Classification Sherloc (09022015). Collection method: clinical testing. Allele origin: germline.
Comment: This sequence change replaces isoleucine with valine at codon 419 of the FKTN protein (p.Ile419Val). The isoleucine residue is moderately conserved and there is a small physicochemical difference between isoleucine and valine. This variant is not present in population databases (ExAC no frequency). This variant has not been reported in the literature in individuals affected with FKTN-related conditions. Algorithms developed to predict the effect of missense changes on protein structure and function (SIFT, PolyPhen-2, Align-GVGD) all suggest that this variant is likely to be tolerated. In summary, the available evidence is currently insufficient to determine the role of this variant in disease. Therefore, it has been classified as a Variant of Uncertain Significance.